The following is an entry in ClinVar:

ClinVar aggregate classification (germline): Pathogenic (1 of 4 stars; one submission).

Submission:

Labcorp Genetics (formerly Invitae), Labcorp
Classification: Pathogenic. Last evaluated: 2024-05-10. Review status: criteria provided, single submitter. Criteria: Invitae Variant Classification Sherloc (09022015). Collection method: clinical testing. Allele origin: germline.
Comment: This sequence change creates a premature translational stop signal (p.Ala1351Leufs*48) in the COL7A1 gene. It is expected to result in an absent or disrupted protein product. Loss-of-function variants in COL7A1 are known to be pathogenic (PMID: 16971478). This variant is not present in population databases (gnomAD no frequency). This variant has not been reported in the literature in individuals affected with COL7A1-related conditions. For these reasons, this variant has been classified as Pathogenic.

Literature cited by the submitters: PubMed 16971478.

NC_000003.12:g.48584557del

Gene: COL7A1 (collagen type VII alpha 1 chain; minus strand). Cytogenetic location: 3p21.31.
Variant type: Deletion.
Genome position: GRCh38 VCF-style: chr3-48584552-GC-G. GRCh37 (hg19) VCF-style: chr3-48621985-GC-G.
Identifiers: ClinVar variation 3652930 (VCV003652930.2).
Genomic context (GRCh38, chr3:48,584,552, plus strand): 5'-CCAGGGTCCCCTTTCCGCCCAGGAAGCCCAGGTCCTTCACCTCCGATGACTTGTCCGGGA[GC>G]CCCCTGTAAGGACAGAGAGCAGTGGGCAGGATTCAGGCTATGGGGGCCTTGAGCTGGAAG-3'